The following is an entry in ClinVar:

ClinVar aggregate classification (germline): Uncertain significance (1 of 4 stars; one submission).

Conditions:
Early-infantile DEE. Also called: Early infantile epileptic encephalopathy; Ohtahara syndrome; Early infantile epileptic encephalopathy with suppression bursts. Identifiers: Orphanet 1934, MedGen C0393706, MONDO:0800491.

Allele frequency attached by ClinVar (database versions not stated): gnomAD exomes below 0.00001; ExAC 0.00001.
gnomAD v4.1: 1 of 1,613,906 alleles (0.000062%); highest among the groups gnomAD compares: South Asian, 0.0011%; no homozygotes.

Submission:

Labcorp Genetics (formerly Invitae), Labcorp
Classification: Uncertain significance for Early-infantile DEE. Last evaluated: 2018-12-17. Review status: criteria provided, single submitter. Criteria: Invitae Variant Classification Sherloc (09022015). Collection method: clinical testing. Allele origin: germline.
Comment: In summary, the available evidence is currently insufficient to determine the role of this variant in disease. Therefore, it has been classified as a Variant of Uncertain Significance. Algorithms developed to predict the effect of missense changes on protein structure and function (SIFT, PolyPhen-2, Align-GVGD) all suggest that this variant is likely to be disruptive, but these predictions have not been confirmed by published functional studies and their clinical significance is uncertain. This variant has not been reported in the literature in individuals with SCN1A-related disease. This variant is present in population databases (rs753444206, ExAC 0.006%). This sequence change replaces serine with asparagine at codon 1134 of the SCN1A protein (p.Ser1134Asn). The serine residue is highly conserved and there is a small physicochemical difference between serine and asparagine.

NM_001165963.4(SCN1A):c.3401G>A (p.Ser1134Asn)

Genes: SCN1A (sodium voltage-gated channel alpha subunit 1; minus strand), LOC102724058 (uncharacterized LOC102724058; plus strand). Cytogenetic location: 2q24.3.
Variant type: single nucleotide variant.
Coding change: c.3401G>A on transcript NM_001165963.4 (MANE Select); coding-DNA position 3401, G replaced by A.
Protein change: p.Ser1134Asn; replaces serine 1134 with asparagine.
Molecular consequence: missense variant. On other transcripts: non-coding transcript variant (2).
Genome position (GRCh38, 1-based): chr2:166,036,076, C>T on the plus strand (G>A on the coding strand, the complement: SCN1A is on the minus strand). VCF-style: chr2-166036076-C-T. GRCh37 (hg19) VCF-style: chr2-166892586-C-T.
Other names: c.3317G>A, p.Ser1106Asn (NM_001165964.3, NM_001353957.2, NM_001353958.2); c.3401G>A, p.Ser1134Asn (NM_001202435.3, NM_001353948.2); c.3368G>A, p.Ser1123Asn (NM_001353949.2, NM_001353950.2, NM_001353951.2 and 2 more transcripts); c.3365G>A, p.Ser1122Asn (NM_001353954.2, NM_001353955.2); c.3314G>A, p.Ser1105Asn (NM_001353960.2); c.959G>A, p.Ser320Asn (NM_001353961.2); short protein forms S1134N, S1123N, S320N, S1106N, S1105N, S1122N.
Identifiers: ClinVar variation 655854 (VCV000655854.8), dbSNP rs753444206, ClinGen allele CA1942975.